The following is an entry in ClinVar:

NM_020693.4(DSCAML1):c.2683A>G (p.Ile895Val)

Gene: DSCAML1 (DS cell adhesion molecule like 1; minus strand). Cytogenetic location: 11q23.3.
Variant type: single nucleotide variant.
Coding change: c.2683A>G on transcript NM_020693.4 (MANE Select); coding-DNA position 2683, A replaced by G.
Protein change: p.Ile895Val; replaces isoleucine 895 with valine.
Molecular consequence: missense variant.
Genome position (GRCh38, 1-based): chr11:117,480,545, T>C on the plus strand (A>G on the coding strand, the complement: DSCAML1 is on the minus strand). VCF-style: chr11-117480545-T-C. GRCh37 (hg19) VCF-style: chr11-117351260-T-C.
Other names: c.2683A>G, p.Ile895Val (NM_001367904.1); short protein forms I895V.
Identifiers: ClinVar variation 2871417 (VCV002871417.3), dbSNP rs915583755, ClinGen allele CA229385837.
Genomic context (GRCh38, chr11:117,480,545, plus strand): 5'-TGTTCCCGTCGAATCGCTGGGTCCAGCGCAGGTTCATGCTCCGGGCCTTCACCTCCCGGA[T>C]CTCCAGCTCTGGGGGGTCGGGGGGCTCTAGGGTGCGGCAGTGGAGGGGAGGGAAGTGAGG-3'
Protein context (NP_065744.3, residues 885-905): QEPPDPPELE[Ile895Val]REVKARSMNL

ClinVar aggregate classification (germline): Uncertain significance (1 of 4 stars; one submission).

Allele frequency attached by ClinVar (database versions not stated): gnomAD 0.00002; TOPMed 0.00002.
gnomAD v4.1: 6 of 1,575,098 alleles (0.00038%); highest among the groups gnomAD compares: Non-Finnish European, 0.00052%; no homozygotes.

Submission:

Labcorp Genetics (formerly Invitae), Labcorp
Classification: Uncertain significance. Last evaluated: 2023-08-10. Review status: criteria provided, single submitter. Criteria: Invitae Variant Classification Sherloc (09022015). Collection method: clinical testing. Allele origin: germline.
Comment: In summary, the available evidence is currently insufficient to determine the role of this variant in disease. Therefore, it has been classified as a Variant of Uncertain Significance. An algorithm developed to predict the effect of missense changes on protein structure and function (PolyPhen-2) suggests that this variant is likely to be tolerated. This variant has not been reported in the literature in individuals affected with DSCAML1-related conditions. This variant is present in population databases (no rsID available, gnomAD 0.001%). This sequence change replaces isoleucine, which is neutral and non-polar, with valine, which is neutral and non-polar, at codon 955 of the DSCAML1 protein (p.Ile955Val).